The following is an entry in ClinVar:

NM_000552.5(VWF):c.4238C>A (p.Pro1413Gln)

Gene: VWF (von Willebrand factor; minus strand). Cytogenetic location: 12p13.31.
Variant type: single nucleotide variant.
Coding change: c.4238C>A on transcript NM_000552.5 (MANE Select); coding-DNA position 4238, C replaced by A.
Protein change: p.Pro1413Gln; replaces proline 1413 with glutamine.
Molecular consequence: missense variant.
Genome position (GRCh38, 1-based): chr12:6,019,180, G>T on the plus strand (C>A on the coding strand, the complement: VWF is on the minus strand). VCF-style: chr12-6019180-G-T. GRCh37 (hg19) VCF-style: chr12-6128346-G-T.
Other names: short protein forms P1413Q.
Identifiers: ClinVar variation 439337 (VCV000439337.14), dbSNP rs61750079, ClinGen allele CA383503635.

ClinVar aggregate classification (germline): Uncertain significance. Review status: criteria provided, multiple submitters, no conflicts (2 of 4 stars). 4 submissions from 4 submitters: Uncertain significance (4). Last evaluated 2025-06-23.

Conditions:
VWF-related disorder. Also called: VWF-related condition; VWF-related disorders.

Allele frequency attached by ClinVar (database versions not stated): TOPMed 0.00001.

Submissions (4):

PreventionGenetics, part of Exact Sciences
Classification: Uncertain significance for VWF-related condition. Last evaluated: 2025-06-23. Review status: criteria provided, single submitter. Criteria: ACMG Guidelines, 2015. Collection method: clinical testing. Allele origin: germline.
Comment: The VWF c.4238C>A variant is predicted to result in the amino acid substitution p.Pro1413Gln. To our knowledge, this variant has not been reported in the literature or in a large population database (gnomAD), indicating this variant is rare. At this time, the clinical significance of this variant is uncertain due to the absence of conclusive functional and genetic evidence.

Quest Diagnostics Nichols Institute San Juan Capistrano
Classification: Uncertain significance. Last evaluated: 2024-10-09. Review status: criteria provided, single submitter. Criteria: Quest Diagnostics criteria. Collection method: clinical testing. Allele origin: unknown.
Comment: The VWF c.4238C>A (p.Pro1413Gln) variant has not been reported in individuals with VWF-related conditions in the published literature. A related variant affecting the same position of the VWF protein but producing a different amino acid change, p.Pro1413Leu, was identified in a study of Swedish families affected with Type 1 von Willebrand disease (PMID: 31249928 (2018)). The c.4238C>A (p.Pro1413Gln) variant has not been reported in large, multi-ethnic general populations (Genome Aggregation Database). Analysis of this variant using bioinformatics tools for the prediction of the effect of amino acid changes on protein structure and function yielded predictions that this variant is damaging. Additional analysis using software algorithms for the prediction of the effect of nucleotide changes on VWF mRNA splicing yielded predictions that this variant may result in the gain of a cryptic splice site without affecting the natural splice sites. Based on the available information, we are unable to determine the clinical significance of this variant.

Women's Health and Genetics/Laboratory Corporation of America, LabCorp
Classification: Uncertain significance. Last evaluated: 2021-12-23. Review status: criteria provided, single submitter. Criteria: LabCorp Variant Classification Summary - May 2015. Collection method: clinical testing. Allele origin: germline.
Comment: Variant summary: VWF c.4238C>A (p.Pro1413Gln) results in a non-conservative amino acid change in the encoded protein sequence. Five of five in-silico tools predict a damaging effect of the variant on protein function. The variant was absent in 251134 control chromosomes. The available data on variant occurrences in the general population are insufficient to allow any conclusion about variant significance. To our knowledge, no occurrence of c.4238C>A in individuals affected with Von Willebrand Disease and no experimental evidence demonstrating its impact on protein function have been reported. Two clinical diagnostic laboratories have submitted clinical-significance assessments for this variant to ClinVar after 2014 without evidence for independent evaluation. All laboratories classified the variant as uncertain significance. Based on the evidence outlined above, the variant was classified as uncertain significance.

ARUP Laboratories, Molecular Genetics and Genomics, ARUP Laboratories
Classification: Uncertain significance. Last evaluated: 2020-05-21. Review status: criteria provided, single submitter. Criteria: ARUP Molecular Germline Variant Investigation Process. Collection method: clinical testing. Allele origin: germline.
Comment: The VWF c.4238C>A; p.Pro1413Gln variant (rs61750079), to our knowledge, is not reported in the medical literature but is reported in ClinVar (Variation ID: 439337). This variant is absent from general population databases (Exome Variant Server, Genome Aggregation Database), indicating it is not a common polymorphism. The proline at codon 1413 is highly conserved, and computational analyses (SIFT, PolyPhen-2) predict that this variant is deleterious. Other amino acid substitutions at this codon (p.Pro1413Leu, p.Pro1413Arg) have been reported in individuals with von WIllebrand disease; however, they have not been demonstrated to be disease-causing (Berber 2017, Goodeve 2007, James 2007, Veyradier 2016). In addition, computational analyses (Alamut v.2.11) predict that the p.Pro1413Gln variant may impact splicing by creating a novel cryptic splice site, although RNA analyses would be required to confirm this. Given the lack of clinical and functional data, the significance of the p.Pro1413Gln variant is uncertain at this time. References: Berber E et al. Functional characterisation of the type 1 von Willebrand disease candidate VWF gene variants: p.M771I, p.L881R and p.P1413L. Blood Transfus. 2017;15(6):548-556. Goodeve A et al. Phenotype and genotype of a cohort of families historically diagnosed with type 1 von Willebrand disease in the European study, Molecular and Clinical Markers for the Diagnosis and Management of Type 1 von Willebrand Disease (MCMDM-1VWD). Blood. 2007;109(1):112-121. James PD et al. The mutational spectrum of type 1 von Willebrand disease: Results from a Canadian cohort study. Blood. 2007;109(1):145-154. Veyradier A et al. A Laboratory Phenotype/Genotype Correlation of 1167 French Patients From 670 Families With von Willebrand Disease: A New Epidemiologic Picture. Medicine (Baltimore). 2016;95(11):e3038.